The following is an entry in ClinVar:

ClinVar aggregate classification (germline): Uncertain significance (1 of 4 stars; one submission).

Conditions:
Mosaic variegated aneuploidy syndrome 1 (MVA1). Also called: Warburton-Anyane-Yeboa syndrome. Identifiers: Orphanet 1052, MedGen C1850343, MONDO:0009759, OMIM 257300.

Submission:

Labcorp Genetics (formerly Invitae), Labcorp
Classification: Uncertain significance for Mosaic variegated aneuploidy syndrome 1. Last evaluated: 2024-10-28. Review status: criteria provided, single submitter. Criteria: Invitae Variant Classification Sherloc (09022015). Collection method: clinical testing. Allele origin: germline.
Comment: This sequence change replaces lysine, which is basic and polar, with threonine, which is neutral and polar, at codon 995 of the BUB1B protein (p.Lys995Thr). This variant is not present in population databases (gnomAD no frequency). This variant has not been reported in the literature in individuals affected with BUB1B-related conditions. An algorithm developed to predict the effect of missense changes on protein structure and function (PolyPhen-2) suggests that this variant is likely to be disruptive. In summary, the available evidence is currently insufficient to determine the role of this variant in disease. Therefore, it has been classified as a Variant of Uncertain Significance.

NM_001211.6(BUB1B):c.2984A>C (p.Lys995Thr)

Genes: BUB1B (BUB1 mitotic checkpoint serine/threonine kinase B; plus strand), BUB1B-PAK6 (BUB1B-PAK6 readthrough; plus strand). Cytogenetic location: 15q15.1.
Variant type: single nucleotide variant.
Coding change: c.2984A>C on transcript NM_001211.6 (MANE Select); coding-DNA position 2984, A replaced by C.
Protein change: p.Lys995Thr; replaces lysine 995 with threonine.
Molecular consequence: missense variant. On other transcripts: intron variant (2).
Genome position (GRCh38, 1-based): chr15:40,220,590, A>C. VCF-style: chr15-40220590-A-C. GRCh37 (hg19) VCF-style: chr15-40512791-A-C.
Other names: c.-201+2923A>C (NM_001128628.3); c.-118+2923A>C (NM_001128629.3); short protein forms K995T.
Identifiers: ClinVar variation 3675910 (VCV003675910.2).
Genomic context (GRCh38, chr15:40,220,590, plus strand): 5'-TAATCTTGATGGAAATGGTTTTATATATTTTTAGGCTAAAAGATGGTGAATTGTGGAATA[A>C]ATTCTTTGTGCGGATTCTGAATGCCAATGATGAGGCCACAGTGTCTGTTCTTGGGGAGCT-3'
Protein context (NP_001202.5, residues 985-1005): SELKDGELWN[Lys995Thr]FFVRILNAND